The following is an entry in ClinVar:

ClinVar aggregate classification (germline): Benign/Likely benign. Review status: criteria provided, multiple submitters, no conflicts (2 of 4 stars). 3 submissions from 3 submitters: Benign (1); Likely benign (2). Last evaluated 2026-01-19.

Allele frequency attached by ClinVar (database versions not stated): 1000 Genomes Project 30x 0.00078; 1000 Genomes Project 0.00100; gnomAD exomes 0.00136; gnomAD 0.00147 and 0.00153; TOPMed 0.00153; ESP Exome Variant Server 0.00169; ExAC 0.00206.
gnomAD v4.1: 3,223 of 1,579,858 alleles (0.2%); highest among the groups gnomAD compares: Non-Finnish European, 0.25%; 4 homozygotes.

Submissions (3):

Labcorp Genetics (formerly Invitae), Labcorp
Classification: Benign. Last evaluated: 2026-01-19. Review status: criteria provided, single submitter. Criteria: Invitae Variant Classification Sherloc (09022015). Collection method: clinical testing. Allele origin: germline.

Blueprint Genetics
Classification: Likely benign. Last evaluated: 2024-11-20. Review status: criteria provided, single submitter. Criteria: ACMG Guidelines, 2015. Collection method: clinical testing. Allele origin: germline.

CeGaT Center for Human Genetics Tuebingen
Classification: Likely benign. Last evaluated: 2024-06-01. Review status: criteria provided, single submitter. Criteria: CeGaT Center For Human Genetics Tuebingen Variant Classification Criteria Version 2. Collection method: clinical testing. Allele origin: germline. Affected: yes. Observed: 11 variant alleles.
Comment: GRM7: BP4, BP7

NM_000844.4(GRM7):c.144C>T (p.Asp48=)

Gene: GRM7 (glutamate metabotropic receptor 7; plus strand). Cytogenetic location: 3p26.1.
Variant type: single nucleotide variant.
Coding change: c.144C>T on transcript NM_000844.4 (MANE Select); coding-DNA position 144, C replaced by T.
Protein change: p.Asp48=; no amino-acid change (aspartic acid 48 retained).
Molecular consequence: synonymous variant.
Genome position (GRCh38, 1-based): chr3:6,861,532, C>T. VCF-style: chr3-6861532-C-T. GRCh37 (hg19) VCF-style: chr3-6903219-C-T.
Other names: c.144C>T, p.Asp48= (NM_181874.3).
Identifiers: ClinVar variation 732896 (VCV000732896.43), dbSNP rs142650646, ClinGen allele CA2234522.